The following is an entry in ClinVar:

ClinVar aggregate classification (germline): Pathogenic/Likely pathogenic. Review status: criteria provided, multiple submitters, no conflicts (2 of 4 stars). 2 submissions from 2 submitters: Pathogenic (1); Likely pathogenic (1). Last evaluated 2026-01-26.

Conditions:
Recessive dystrophic epidermolysis bullosa (RDEB). Also called: Epidermolysis Bullosa Distrophica Autosomal Recessive (RDEB); severe generalized recessive dystrophic epidermolysis bullosa; epidermolysis bullosa dystrophica, autosomal recessive; DYSTROPHIC EPIDERMOLYSIS BULLOSA, AUTOSOMAL RECESSIVE; EPIDERMOLYSIS BULLOSA DYSTROPHICA, HALLOPEAU-SIEMENS TYPE; Hallopeau-Siemens Disease. Identifiers: Orphanet 79408, Orphanet 79409, MedGen C0079474, MONDO:0009179, OMIM 226600.
Epidermolysis bullosa dystrophica. Also called: Dystrophic epidermolysis bullosa, Hallopeau-Siemens type (formerly); Dystrophic epidermolysis bullosa. Identifiers: Orphanet 303, MedGen C0079294, MONDO:0006543.

Submissions (2):

Natera, Inc.
Classification: Likely pathogenic for Dystrophic epidermolysis bullosa. Last evaluated: 2026-01-26. Review status: criteria provided, single submitter. Criteria: Natera Variant Classification Schema (03/2026). Collection method: clinical testing. Allele origin: germline.
Comment: The c.230_231dup variant in COL7A1 is a frameshift variant predicted to shift the reading frame beginning at codon 78 and leads to a stop codon 27 codons downstream. This variant is expected to result in nonsense mediated decay, truncation, or a dysfunctional protein product. This variant is rare in the general population with a frequency below the threshold expected for the associated phenotype(s). Given the available evidence, this variant is classified as Likely Pathogenic.

Myriad Genetics, Inc.
Classification: Pathogenic for Recessive dystrophic epidermolysis bullosa. Last evaluated: 2025-02-26. Review status: criteria provided, single submitter. Criteria: Myriad Autosomal Dominant, Autosomal Recessive and X-Linked Classification Criteria (2023). Collection method: clinical testing. Allele origin: unknown.
Comment: NM_000094.3(COL7A1):c.230_231dupTG(R78Cfs*27) is expected to be pathogenic in the context of dystrophic epidermolysis bullosa. This variant is predicted to lead to an abnormal or absent protein product due to the creation of a premature termination codon in COL7A1, a gene where loss-of-function variants are known to be pathogenic. Please note: this variant was assessed in the context of healthy population screening.

NM_000094.4(COL7A1):c.230_231dup (p.Arg78fs)

Gene: COL7A1 (collagen type VII alpha 1 chain; minus strand). Cytogenetic location: 3p21.31.
Variant type: Microsatellite.
Coding change: c.230_231dup on transcript NM_000094.4 (MANE Select); coding-DNA positions 230 to 231, 2 bases duplicated (TG; older notation c.230_231dupTG).
Protein change: p.Arg78fs; shifts the reading frame from arginine 78.
Molecular consequence: frameshift variant.
Genome position (GRCh38, 1-based): chr3:48,594,403-48,594,404, CA duplicated on the plus strand (TG on the coding strand, the reverse complement: COL7A1 is on the minus strand); duplicating any 2 consecutive bases within chr3:48,594,403-48,594,407 gives the same sequence; the c. name uses the placement nearest the transcript's 3' end. VCF-style (leftmost placement, unchanged base first): chr3-48594402-G-GCA. GRCh37 (hg19) VCF-style: chr3-48631835-G-GCA.
Other names: c.230_231dup (NM_000094.3); c.227_228GT[3], p.Arg78Cysfs (NM_000094.3); short protein forms R78fs.
Identifiers: ClinVar variation 4817361 (VCV004817361.2).